The following is an entry in ClinVar:

ClinVar aggregate classification (germline): Likely benign (1 of 4 stars; one submission).

Conditions:
Catecholaminergic polymorphic ventricular tachycardia (CVPT). Also called: Catecholamine-induced polymorphic ventricular tachycardia. Identifiers: Orphanet 3286, MedGen C5574922, MONDO:0017990.

Submission:

All of Us Research Program, National Institutes of Health
Classification: Likely benign for Catecholaminergic polymorphic ventricular tachycardia. Last evaluated: 2024-06-09. Review status: criteria provided, single submitter. Criteria: ACMG Guidelines, 2015. Collection method: clinical testing. Allele origin: germline. Inheritance: Autosomal dominant inheritance. Observed: 1 variant allele, 1 heterozygote.
Comment: This study involves interpretation of variants in research participants for the purpose of population health screening. Participant phenotype was not available at the time of variant classification. Additional details can be found in publication PMID: 35346344, PMCID: PMC8962531

NM_001035.3(RYR2):c.1176T>C (p.Ile392=)

Gene: RYR2 (ryanodine receptor 2; plus strand). Cytogenetic location: 1q43.
Variant type: single nucleotide variant.
Coding change: c.1176T>C on transcript NM_001035.3 (MANE Select); coding-DNA position 1176, T replaced by C.
Protein change: p.Ile392=; no amino-acid change (isoleucine 392 retained).
Molecular consequence: synonymous variant.
Genome position (GRCh38, 1-based): chr1:237,445,406, T>C. VCF-style: chr1-237445406-T-C. GRCh37 (hg19) VCF-style: chr1-237608706-T-C.
Identifiers: ClinVar variation 3385667 (VCV003385667.1).